The following is an entry in ClinVar:

ClinVar aggregate classification (germline): Likely pathogenic. Review status: reviewed by expert panel (3 of 4 stars). 4 submissions from 4 submitters: Likely pathogenic (1). 3 of the submissions do not count toward it. Last evaluated 2023-04-17.

Conditions:
Primary Mitochondrial Disorders. Identifiers: MedGen CN381104.
Mitochondrial disease. Also called: Mitochondrial disorder; Mitochondrial disorders. Identifiers: Orphanet 68380, MedGen C0751651, MeSH D028361, MONDO:0044970.
MELAS syndrome (MELAS). Also called: Juvenile myopathy, encephalopathy, lactic acidosis, stroke. Identifiers: Orphanet 550, MedGen C0162671, MONDO:0010789, OMIM 540000.
Mitochondrial non-syndromic sensorineural hearing loss. Also called: Nonsyndromic Hearing Loss and Deafness, Mitochondrial. Identifiers: Orphanet 90641, MedGen C3151897, MONDO:0010779, OMIM 500008.

Submissions (4):

ClinGen Mitochondrial Disease Nuclear and Mitochondrial  Variant Curation Expert Panel, ClinGen
Classification: Likely pathogenic for Mitochondrial disease. Last evaluated: 2023-04-17. Review status: reviewed by expert panel. Criteria: McCormick et al. (Hum Mutat. 2020). Collection method: curation. Allele origin: germline. Inheritance: Mitochondrial inheritance.
Comment: The m.12201T>C variant in MT-TH has been reported in three families with features of primary mitochondrial disease (PS4_supporting). The first family reported was 5-generation Han Chinese family with late-onset non-syndromic deafness (PMIDs: 21931169, 24920829, 31819004, 32169613). A second case was reported in a Vietnamese cohort of children with non-syndromic hearing loss. The third case was reported in a cohort of individuals with dilated cardiomyopathy (PMID: 34991096). Seventeen of 35 matrilineal relatives in the first reported family exhibited variable severity and age at onset of sensorineural hearing loss and blood heteroplasmy levels correlated with both onset age and symptom severity (PP1_moderate). There are no reported de novo occurrences of this variant to our knowledge. Although there are several occurrences in population databases, the frequency is still low (PM2_supporting). The computational predictor MitoTIP suggests this variant is pathogenic (67th percentile) and HmtVAR predicts it to be pathogenic score of 0.5 (PP3). Cybrid studies show different classes of function defects including a decrease in the steady-state level of tRNAHis, diminished respiratory capacity, marked decreases in mtATP levels and membrane potential, increased reactive oxygen species (ROS) production, decreased melting temperature, conformational changes, and instability of the mutated tRNA, and HARS2 overexpression corrected the mitochondrial dysfunction (PS3_moderate; PMIDs: 24920829, 31819004). In summary, this variant meets criteria to be classified as likely pathogenic for primary mitochondrial disease inherited in a mitochondrial manner. This classification was approved by the NICHD/NINDS U24 ClinGen Mitochondrial Disease Variant Curation Expert Panel on April 17, 2023. Mitochondrial DNA-specific ACMG/AMP criteria applied (PMID: 32906214): PS4_supporting, PP1_moderate, PM2_supporting, PP3, PS3_moderate.

Variantyx, Inc.
Classification: Likely pathogenic for Primary mitochondrial disorders. Last evaluated: 2025-12-04. Review status: criteria provided, single submitter. Criteria: Variantyx Assertion Criteria 2022. Collection method: clinical testing. Allele origin: germline. Not counted in ClinVar's aggregate classification.
Comment: The m.12201T>C change is a variant in the MT-TH gene which encodes the mitochondrial transfer RNA for histidine. Pathogenic variants in this gene have been associated with primary mitochondrial disorders. This variant segregated with disease in many affected members across multiple families, unaffected family members may have lower to undetectable levels of the variant (PMID: 21931169) (PP1). Functional studies demonsttrate a deleterious effect for this variant (PMID: 31819004, 24920829) (PS3_Moderate) confirmed by computational algorithms (PP5). Based on the current evidence, this variant is classified as likely pathogenic for primary mitochondrial disorders.

Wong Mito Lab, Molecular and Human Genetics, Baylor College of Medicine
Classification: Uncertain significance for MELAS syndrome. Last evaluated: 2019-07-12. Review status: criteria provided, single submitter. Criteria: Modified ACMG Guidelines (Unpublished). Collection method: clinical testing. Allele origin: germline. Not counted in ClinVar's aggregate classification.
Comment: The NC_012920.1:m.12201T>C variant in MT-TH gene is interpreted to be a Unknown Significance variant based on the modified ACMG guidelines (unpublished). This variant meets the following evidence codes reported in the guidelines: PP3, BP6

OMIM
Classification: Pathogenic for DEAFNESS, NONSYNDROMIC SENSORINEURAL, MITOCHONDRIAL. Last evaluated: 2011-10-01. Review status: no assertion criteria provided. Collection method: literature only. Allele origin: germline. Not counted in ClinVar's aggregate classification.

Literature cited by the submitters: PubMed 31965079 (cited by Wong Mito Lab, Molecular and Human Genetics, Baylor College of Medicine); PubMed 21931169 (cited by OMIM).

NC_012920.1(MT-TH):m.12201T>C

Gene: MT-TH (mitochondrially encoded tRNA histidine; plus strand).
Variant type: single nucleotide variant.
Genome position: chrM-12201-T-C.
Other names: 12201T-C.
Identifiers: ClinVar variation 30004 (VCV000030004.5), dbSNP rs387906733, ClinGen allele CA259740.